The following is an entry in ClinVar:

NM_001282225.2(ADA2):c.88A>G (p.Ile30Val)

Gene: ADA2 (adenosine deaminase 2; minus strand). Cytogenetic location: 22q11.1.
Variant type: single nucleotide variant.
Coding change: c.88A>G on transcript NM_001282225.2 (MANE Select); coding-DNA position 88, A replaced by G.
Protein change: p.Ile30Val; replaces isoleucine 30 with valine.
Molecular consequence: missense variant. On other transcripts: 5 prime UTR variant (2), intron variant (1).
Genome position (GRCh38, 1-based): chr22:17,209,590, T>C on the plus strand (A>G on the coding strand, the complement: ADA2 is on the minus strand). VCF-style: chr22-17209590-T-C. GRCh37 (hg19) VCF-style: chr22-17690480-T-C.
Other names: c.88A>G, p.Ile30Val (NM_001282226.2); c.-39A>G (NM_001282227.2, NM_001282228.2); c.-38-2300A>G (NM_001282229.2); short protein forms I30V.
Identifiers: ClinVar variation 1184416 (VCV001184416.6), dbSNP rs1601462414, ClinGen allele CA410230967.

ClinVar aggregate classification (germline): Uncertain significance. Review status: criteria provided, multiple submitters, no conflicts (2 of 4 stars). 2 submissions from 2 submitters: Uncertain significance (2). Last evaluated 2021-09-01.

Conditions:
Deficiency of adenosine deaminase 2. Also called: Polyarteritis nodosa, childhoood-onset; VASCULITIS, AUTOINFLAMMATION, IMMUNODEFICIENCY, AND HEMATOLOGIC DEFECTS SYNDROME; Adenosine Deaminase 2 Deficiency. Identifiers: Orphanet 404553, MedGen C3887654, MONDO:0014306, OMIM 615688, MONDO:0100317.

Allele frequency attached by ClinVar (database versions not stated): gnomAD 0.00001; TOPMed 0.00001.
gnomAD v4.1: 1 of 1,613,966 alleles (0.000062%); highest among the groups gnomAD compares: African/African-American, 0.0013%; no homozygotes.

Submissions (2):

Labcorp Genetics (formerly Invitae), Labcorp
Classification: Uncertain significance for Deficiency of adenosine deaminase 2. Last evaluated: 2021-09-01. Review status: criteria provided, single submitter. Criteria: Invitae Variant Classification Sherloc (09022015). Collection method: clinical testing. Allele origin: germline.
Comment: This sequence change replaces isoleucine with valine at codon 30 of the ADA2 protein (p.Ile30Val). The isoleucine residue is moderately conserved and there is a small physicochemical difference between isoleucine and valine. This variant is not present in population databases (ExAC no frequency). This variant has not been reported in the literature in individuals affected with ADA2-related conditions. Algorithms developed to predict the effect of missense changes on protein structure and function (SIFT, PolyPhen-2, Align-GVGD) all suggest that this variant is likely to be tolerated. In summary, the available evidence is currently insufficient to determine the role of this variant in disease. Therefore, it has been classified as a Variant of Uncertain Significance.

New York Genome Center
Classification: Uncertain significance for Deficiency of adenosine deaminase 2. Last evaluated: 2020-07-31. Review status: criteria provided, single submitter. Criteria: NYGC Assertion Criteria 2020. Collection method: clinical testing. Allele origin: inherited. Observed: 1 heterozygote. Study: CSER-NYCKidSeq.